The following is an entry in ClinVar:

ClinVar aggregate classification (germline): Uncertain significance (1 of 4 stars; one submission).

Allele frequency attached by ClinVar (database versions not stated): gnomAD 0.00001; gnomAD exomes 0.00002.
gnomAD v4.1: 28 of 1,614,024 alleles (0.0017%); highest among the groups gnomAD compares: Non-Finnish European, 0.0024%; no homozygotes.

Submission:

Labcorp Genetics (formerly Invitae), Labcorp
Classification: Uncertain significance. Last evaluated: 2023-04-23. Review status: criteria provided, single submitter. Criteria: Invitae Variant Classification Sherloc (09022015). Collection method: clinical testing. Allele origin: germline.
Comment: In summary, the available evidence is currently insufficient to determine the role of this variant in disease. Therefore, it has been classified as a Variant of Uncertain Significance. Advanced modeling of protein sequence and biophysical properties (such as structural, functional, and spatial information, amino acid conservation, physicochemical variation, residue mobility, and thermodynamic stability) performed at Invitae indicates that this missense variant is not expected to disrupt PHF21A protein function. This variant has not been reported in the literature in individuals affected with PHF21A-related conditions. The frequency data for this variant in the population databases is considered unreliable, as metrics indicate poor data quality at this position in the gnomAD database. This sequence change replaces glutamic acid, which is acidic and polar, with aspartic acid, which is acidic and polar, at codon 616 of the PHF21A protein (p.Glu616Asp).

NM_001352027.3(PHF21A):c.1851G>T (p.Glu617Asp)

Gene: PHF21A (PHD finger protein 21A; minus strand). Cytogenetic location: 11p11.2.
Variant type: single nucleotide variant.
Coding change: c.1851G>T on transcript NM_001352027.3 (MANE Select); coding-DNA position 1851, G replaced by T.
Protein change: p.Glu617Asp; replaces glutamic acid 617 with aspartic acid.
Molecular consequence: missense variant. On other transcripts: non-coding transcript variant (2).
Genome position (GRCh38, 1-based): chr11:45,934,163, C>A on the plus strand (G>T on the coding strand, the complement: PHF21A is on the minus strand). VCF-style: chr11-45934163-C-A. GRCh37 (hg19) VCF-style: chr11-45955714-C-A.
Other names: c.1710G>T, p.Glu570Asp (NM_001352028.1, NM_001352029.1, NM_016621.5); c.1707G>T, p.Glu569Asp (NM_001352030.3, NM_001352031.3, NM_001352032.3); c.1848G>T, p.Glu616Asp (NM_001101802.3); c.1851G>T, p.Glu617Asp (NM_001352025.3, NM_001352026.3); short protein forms E569D, E617D, E570D, E616D.
Identifiers: ClinVar variation 3020276 (VCV003020276.3), dbSNP rs769053462, ClinGen allele CA221608226.